The following is an entry in ClinVar:

ClinVar aggregate classification (germline): Uncertain significance (1 of 4 stars; one submission).

Allele frequency attached by ClinVar (database versions not stated): gnomAD exomes below 0.00001; gnomAD 0.00001; TOPMed 0.00001.
gnomAD v4.1: 2 of 1,614,102 alleles (0.00012%); highest among the groups gnomAD compares: African/African-American, 0.0027%; no homozygotes.

Submission:

Labcorp Genetics (formerly Invitae), Labcorp
Classification: Uncertain significance. Last evaluated: 2022-03-28. Review status: criteria provided, single submitter. Criteria: Invitae Variant Classification Sherloc (09022015). Collection method: clinical testing. Allele origin: germline.
Comment: In summary, the available evidence is currently insufficient to determine the role of this variant in disease. Therefore, it has been classified as a Variant of Uncertain Significance. Algorithms developed to predict the effect of missense changes on protein structure and function are either unavailable or do not agree on the potential impact of this missense change (SIFT: "Deleterious"; PolyPhen-2: "Benign"; Align-GVGD: "Class C0"). This variant has not been reported in the literature in individuals affected with STIL-related conditions. This variant is present in population databases (no rsID available, gnomAD 0.0009%). This sequence change replaces alanine, which is neutral and non-polar, with valine, which is neutral and non-polar, at codon 664 of the STIL protein (p.Ala664Val).

NM_001048166.1(STIL):c.1991C>T (p.Ala664Val)

Gene: STIL (STIL centriolar assembly protein; minus strand). Cytogenetic location: 1p33.
Variant type: single nucleotide variant.
Coding change: c.1991C>T on transcript NM_001048166.1 (MANE Select); coding-DNA position 1991, C replaced by T.
Protein change: p.Ala664Val; replaces alanine 664 with valine.
Molecular consequence: missense variant.
Genome position (GRCh38, 1-based): chr1:47,280,467, G>A on the plus strand (C>T on the coding strand, the complement: STIL is on the minus strand). VCF-style: chr1-47280467-G-A. GRCh37 (hg19) VCF-style: chr1-47746139-G-A.
Other names: c.1991C>T, p.Ala664Val (NM_001282936.1, NM_001282937.1, NM_003035.2); c.1850C>T, p.Ala617Val (NM_001282938.1, NM_001282939.1, NM_001377417.1); short protein forms A617V, A664V.
Identifiers: ClinVar variation 1908354 (VCV001908354.5), dbSNP rs1219680468, ClinGen allele CA340246559.